The following is an entry in ClinVar:

NM_001142800.2(EYS):c.6407G>C (p.Gly2136Ala)

Gene: EYS (eyes shut homolog; minus strand). Cytogenetic location: 6q12.
Variant type: single nucleotide variant.
Coding change: c.6407G>C on transcript NM_001142800.2 (MANE Select); coding-DNA position 6407, G replaced by C.
Protein change: p.Gly2136Ala; replaces glycine 2136 with alanine.
Molecular consequence: missense variant.
Genome position (GRCh38, 1-based): chr6:64,230,609, C>G on the plus strand (G>C on the coding strand, the complement: EYS is on the minus strand). VCF-style: chr6-64230609-C-G. GRCh37 (hg19) VCF-style: chr6-64940502-C-G.
Other names: c.6407G>C, p.Gly2136Ala (NM_001292009.2); short protein forms G2136A.
Identifiers: ClinVar variation 1011585 (VCV001011585.7), dbSNP rs1252532483, ClinGen allele CA364391170.
Genomic context (GRCh38, chr6:64,230,609, plus strand): 5'-GGTTTTTAAAAAGAAATACAAAAGGGTAATGAAGATTGATTACCTTTTTCACAGAAGCGG[C>G]CAGTGAAATGTAGTGGACAGTCACATTGGAATGACACTATGCCACTGGAGAGGAAGATGG-3'
Protein context (NP_001136272.1, residues 2126-2146): FQCDCPLHFT[Gly2136Ala]RFCEKDAGLF

ClinVar aggregate classification (germline): Uncertain significance (1 of 4 stars; one submission).

Allele frequency attached by ClinVar (database versions not stated): gnomAD 0.00001; TOPMed below 0.00001.
gnomAD v4.1: 4 of 1,546,220 alleles (0.00026%); highest among the groups gnomAD compares: African/African-American, 0.0014%; no homozygotes.

Submission:

Labcorp Genetics (formerly Invitae), Labcorp
Classification: Uncertain significance. Last evaluated: 2022-06-13. Review status: criteria provided, single submitter. Criteria: Invitae Variant Classification Sherloc (09022015). Collection method: clinical testing. Allele origin: germline.
Comment: This sequence change replaces glycine, which is neutral and non-polar, with alanine, which is neutral and non-polar, at codon 2136 of the EYS protein (p.Gly2136Ala). This variant is not present in population databases (gnomAD no frequency). This variant has not been reported in the literature in individuals affected with EYS-related conditions. ClinVar contains an entry for this variant (Variation ID: 1011585). Algorithms developed to predict the effect of missense changes on protein structure and function (SIFT, PolyPhen-2, Align-GVGD) all suggest that this variant is likely to be disruptive. In summary, the available evidence is currently insufficient to determine the role of this variant in disease. Therefore, it has been classified as a Variant of Uncertain Significance.